The following is an entry in ClinVar:

ClinVar aggregate classification (germline): Uncertain significance (1 of 4 stars; one submission).

Submission:

Labcorp Genetics (formerly Invitae), Labcorp
Classification: Uncertain significance. Last evaluated: 2024-07-11. Review status: criteria provided, single submitter. Criteria: Invitae Variant Classification Sherloc (09022015). Collection method: clinical testing. Allele origin: germline.
Comment: This sequence change replaces glycine, which is neutral and non-polar, with arginine, which is basic and polar, at codon 1208 of the TOP2B protein (p.Gly1208Arg). This variant is not present in population databases (gnomAD no frequency). This variant has not been reported in the literature in individuals affected with TOP2B-related conditions. An algorithm developed to predict the effect of missense changes on protein structure and function (PolyPhen-2) suggests that this variant is likely to be tolerated. In summary, the available evidence is currently insufficient to determine the role of this variant in disease. Therefore, it has been classified as a Variant of Uncertain Significance.

NM_001330700.2(TOP2B):c.3637G>A (p.Gly1213Arg)

Gene: TOP2B (DNA topoisomerase II beta; minus strand). Cytogenetic location: 3p24.2.
Variant type: single nucleotide variant.
Coding change: c.3637G>A on transcript NM_001330700.2 (MANE Select); coding-DNA position 3637, G replaced by A.
Protein change: p.Gly1213Arg; replaces glycine 1213 with arginine.
Molecular consequence: missense variant.
Genome position (GRCh38, 1-based): chr3:25,612,664, C>T on the plus strand (G>A on the coding strand, the complement: TOP2B is on the minus strand). VCF-style: chr3-25612664-C-T. GRCh37 (hg19) VCF-style: chr3-25654155-C-T.
Other names: c.3622G>A, p.Gly1208Arg (NM_001068.3); short protein forms G1213R, G1208R.
Identifiers: ClinVar variation 3656314 (VCV003656314.2).
Genomic context (GRCh38, chr3:25,612,664, plus strand): 5'-TCTCTTCCAACTGGAGTTTCTTCACCTTAGGTTTGCCAACTTTACCTTTAATTGCTTTTC[C>T]AGACATTCCAGCCAGAACATCTTCTCGTTCTTGAGATTCCACTTTCTAAAGTATAATCAT-3'
Protein context (NP_001317629.1, residues 1203-1223): EREDVLAGMS[Gly1213Arg]KAIKGKVGKP